The following is an entry in ClinVar:

NM_005359.6(SMAD4):c.627C>G (p.Thr209=)

Gene: SMAD4 (SMAD family member 4; plus strand). Cytogenetic location: 18q21.2.
Variant type: single nucleotide variant.
Coding change: c.627C>G on transcript NM_005359.6 (MANE Select); coding-DNA position 627, C replaced by G.
Protein change: p.Thr209=; no amino-acid change (threonine 209 retained).
Molecular consequence: synonymous variant. On other transcripts: non-coding transcript variant (2).
Genome position (GRCh38, 1-based): chr18:51,054,953, C>G. VCF-style: chr18-51054953-C-G. GRCh37 (hg19) VCF-style: chr18-48581323-C-G.
Other names: c.627C>G, p.Thr209= (NM_001407041.1, NM_001407042.1, NM_001407043.1).
Identifiers: ClinVar variation 2733780 (VCV002733780.5), dbSNP rs905151346, ClinGen allele CA300084636.

ClinVar aggregate classification (germline): Benign/Likely benign. Review status: criteria provided, multiple submitters, no conflicts (2 of 4 stars). 3 submissions from 3 submitters: Benign (1); Likely benign (2). Last evaluated 2026-06-08.

Conditions:
Familial thoracic aortic aneurysm and aortic dissection (TAAD). Also called: Thoracic aortic aneurysms and dissections. Identifiers: Orphanet 91387, MedGen C4707243, MONDO:0019625.
Hereditary cancer-predisposing syndrome. Also called: Tumor predisposition; Hereditary neoplastic syndrome; Neoplastic Syndromes, Hereditary; Hereditary Cancer Syndrome. Identifiers: Orphanet 140162, MedGen C0027672, MeSH D009386, MONDO:0015356.
Juvenile polyposis syndrome (JPS). Identifiers: Orphanet 2929, MedGen C0345893, MONDO:0017380, OMIM 174900.
Juvenile polyposis/hereditary hemorrhagic telangiectasia syndrome (JPHT). Also called: JP/HHT SYNDROME; JUVENILE POLYPOSIS WITH HEREDITARY HEMORRHAGIC TELANGIECTASIA; POLYPOSIS, GENERALIZED JUVENILE, WITH PULMONARY ARTERIOVENOUS MALFORMATION; TELANGIECTASIA, HEREDITARY HEMORRHAGIC, WITH JUVENILE POLYPOSIS COLI; Juvenile Polyposis Syndrome / Hereditary Hemorrhagic Telangiectasia (JPS/HHT). Identifiers: Orphanet 2929, MedGen C1832942, MONDO:0008278, OMIM 175050.

Allele frequency attached by ClinVar (database versions not stated): TOPMed below 0.00001.

Submissions (3):

Ambry Genetics
Classification: Likely benign for Hereditary cancer-predisposing syndrome; Familial thoracic aortic aneurysm and aortic dissection. Last evaluated: 2026-06-08. Review status: criteria provided, single submitter. Criteria: Ambry Variant Classification Scheme 2023. Collection method: clinical testing. Allele origin: germline.

Myriad Genetics, Inc.
Classification: Benign for Juvenile polyposis/hereditary hemorrhagic telangiectasia syndrome. Last evaluated: 2025-03-19. Review status: criteria provided, single submitter. Criteria: Myriad Autosomal Dominant, Autosomal Recessive and X-Linked Classification Criteria (2023). Collection method: clinical testing. Allele origin: unknown.
Comment: This variant is considered benign. This variant is a silent/synonymous amino acid change and it is not expected to impact splicing.

Labcorp Genetics (formerly Invitae), Labcorp
Classification: Likely benign for Juvenile polyposis syndrome. Last evaluated: 2024-09-30. Review status: criteria provided, single submitter. Criteria: Invitae Variant Classification Sherloc (09022015). Collection method: clinical testing. Allele origin: germline.